The following is an entry in ClinVar:

ClinVar aggregate classification (germline): Conflicting classifications of pathogenicity. Review status: criteria provided, conflicting classifications (1 of 4 stars). 4 submissions from 4 submitters: Uncertain significance (1); Likely benign (3). Last evaluated 2026-01-29.

Conditions:
DMXL2-related disorder. Also called: DMXL2-related condition.
Inborn genetic diseases. Identifiers: MedGen C0950123, MeSH D030342.

Allele frequency attached by ClinVar (database versions not stated): gnomAD 0.00005; gnomAD exomes 0.00006 and 0.00031; TOPMed 0.00009; 1000 Genomes Project 0.00020; 1000 Genomes Project 30x 0.00031; ExAC 0.00035.
gnomAD v4.1: 90 of 1,613,958 alleles (0.0056%); highest among the groups gnomAD compares: Admixed American, 0.15%; no homozygotes.

Submissions (4):

PreventionGenetics, part of Exact Sciences
Classification: Likely benign for DMXL2-related condition. Last evaluated: 2026-01-29. Review status: criteria provided, single submitter. Criteria: ACMG Guidelines, 2015. Collection method: clinical testing. Allele origin: germline.
Comment: This variant is classified as likely benign based on ACMG/AMP sequence variant interpretation guidelines (Richards et al. 2015 PMID: 25741868, with internal and published modifications).

Labcorp Genetics (formerly Invitae), Labcorp
Classification: Likely benign. Last evaluated: 2025-12-12. Review status: criteria provided, single submitter. Criteria: Invitae Variant Classification Sherloc (09022015). Collection method: clinical testing. Allele origin: germline.

GeneDx
Classification: Uncertain significance. Last evaluated: 2025-05-01. Review status: criteria provided, single submitter. Criteria: GeneDx Variant Classification Process June 2021. Collection method: clinical testing. Allele origin: germline. Affected: yes.
Comment: In silico analysis supports that this missense variant has a deleterious effect on protein structure/function; Has not been previously published as pathogenic or benign to our knowledge

Ambry Genetics
Classification: Likely benign for Inborn genetic diseases. Last evaluated: 2025-04-19. Review status: criteria provided, single submitter. Criteria: Ambry Variant Classification Scheme 2023. Collection method: clinical testing. Allele origin: germline.

NM_001378457.1(DMXL2):c.8035C>T (p.His2679Tyr)

Gene: DMXL2 (Dmx like 2; minus strand). Cytogenetic location: 15q21.2.
Variant type: single nucleotide variant.
Coding change: c.8035C>T on transcript NM_001378457.1 (MANE Select); coding-DNA position 8035, C replaced by T.
Protein change: p.His2679Tyr; replaces histidine 2679 with tyrosine.
Molecular consequence: missense variant. On other transcripts: non-coding transcript variant (2).
Genome position (GRCh38, 1-based): chr15:51,458,750, G>A on the plus strand (C>T on the coding strand, the complement: DMXL2 is on the minus strand). VCF-style: chr15-51458750-G-A. GRCh37 (hg19) VCF-style: chr15-51750947-G-A.
Other names: c.7972C>T, p.His2658Tyr (NM_001174116.3); c.6061C>T, p.His2021Tyr (NM_001174117.3); c.8032C>T, p.His2678Tyr (NM_001378458.1); c.7747C>T, p.His2583Tyr (NM_001378459.1); c.5950C>T, p.His1984Tyr (NM_001378460.1); c.7969C>T, p.His2657Tyr (NM_015263.5); short protein forms H2021Y, H2657Y, H2658Y, H1984Y, H2583Y, H2678Y, H2679Y.
Identifiers: ClinVar variation 743259 (VCV000743259.12), dbSNP rs199806210, ClinGen allele CA7561176.